The following is an entry in ClinVar:

NM_005573.4(LMNB1):c.814-1G>T

Gene: LMNB1 (lamin B1; plus strand). Cytogenetic location: 5q23.2.
Variant type: single nucleotide variant.
Coding change: c.814-1G>T on transcript NM_005573.4 (MANE Select); the canonical splice acceptor site of the intron before coding-DNA position 814, G replaced by T.
Molecular consequence: splice acceptor variant.
Genome position (GRCh38, 1-based): chr5:126,811,772, G>T. VCF-style: chr5-126811772-G-T. GRCh37 (hg19) VCF-style: chr5-126147464-G-T.
Other names: c.184-1G>T (NM_001198557.2).
Identifiers: ClinVar variation 2444231 (VCV002444231.1), dbSNP rs2479520123, ClinGen allele CA360722896.

ClinVar aggregate classification (germline): Likely pathogenic (1 of 4 stars; one submission).

Conditions:
Microcephaly 26, primary, autosomal dominant. Identifiers: MedGen C5543048, MONDO:0030928, OMIM 619179.

Submission:

3billion
Classification: Likely pathogenic for Microcephaly 26, primary, autosomal dominant. Last evaluated: 2023-02-23. Review status: criteria provided, single submitter. Criteria: ACMG Guidelines, 2015. Collection method: clinical testing. Allele origin: unknown. Affected: yes.
Comment: The variant is not observed in the gnomAD v2.1.1 dataset. This variant was predicted to alter splicing and result in a loss or disruption of normal protein function. Multiple pathogenic loss-of-function variants are reported downstream of the variant. Therefore, this variant is classified as Likely pathogenic according to the recommendation of ACMG/AMP guideline.